The following is an entry in ClinVar:

ClinVar aggregate classification (germline): Benign. Review status: criteria provided, multiple submitters, no conflicts (2 of 4 stars). 4 submissions from 4 submitters: Benign (4). Last evaluated 2026-02-04.

Conditions:
Junctional epidermolysis bullosa. Identifiers: Orphanet 305, MedGen C0079301, MONDO:0017612.

Allele frequency attached by ClinVar (database versions not stated): gnomAD exomes 0.00123 and 0.00315; ExAC 0.00360; 1000 Genomes Project 0.01218; gnomAD 0.01262 and 0.01374; 1000 Genomes Project 30x 0.01405; TOPMed 0.01414; ESP Exome Variant Server 0.01445.
gnomAD v4.1: 3,786 of 1,613,144 alleles (0.23%); highest among the groups gnomAD compares: African/African-American, 4.3%; 78 homozygotes.

Submissions (4):

Labcorp Genetics (formerly Invitae), Labcorp
Classification: Benign. Last evaluated: 2026-02-04. Review status: criteria provided, single submitter. Criteria: Invitae Variant Classification Sherloc (09022015). Collection method: clinical testing. Allele origin: germline.

Illumina Laboratory Services, Illumina
Classification: Benign for Junctional epidermolysis bullosa. Last evaluated: 2018-01-12. Review status: criteria provided, single submitter. Criteria: ICSL Variant Classification Criteria 13 December 2019. Collection method: clinical testing. Allele origin: germline.
Comment: This variant was observed in the ICSL laboratory as part of a predisposition screen in an ostensibly healthy population. It had not been previously curated by ICSL or reported in the Human Gene Mutation Database (HGMD: prior to June 1st, 2018), and was therefore a candidate for classification through an automated scoring system. Utilizing variant allele frequency, disease prevalence and penetrance estimates, and inheritance mode, an automated score was calculated to assess if this variant is too frequent to cause the disease. Based on the score and internal cut-off values, a variant classified as benign is not then subjected to further curation. The score for this variant resulted in a classification of benign for this disease.

Breakthrough Genomics
Classification: Benign. Review status: criteria provided, single submitter. Criteria: ACMG Guidelines, 2015. Collection method: not provided. Allele origin: germline. Inheritance: Autosomal recessive inheritance. Affected: yes.

PreventionGenetics, part of Exact Sciences
Classification: Benign. Review status: criteria provided, single submitter. Criteria: ACMG Guidelines, 2015. Collection method: clinical testing. Allele origin: germline.

NM_005562.3(LAMC2):c.2035C>T (p.Leu679Phe)

Gene: LAMC2 (laminin subunit gamma 2; plus strand). Cytogenetic location: 1q25.3.
Variant type: single nucleotide variant.
Coding change: c.2035C>T on transcript NM_005562.3 (MANE Select); coding-DNA position 2035, C replaced by T.
Protein change: p.Leu679Phe; replaces leucine 679 with phenylalanine.
Molecular consequence: missense variant.
Genome position (GRCh38, 1-based): chr1:183,232,672, C>T. VCF-style: chr1-183232672-C-T. GRCh37 (hg19) VCF-style: chr1-183201807-C-T.
Other names: c.2035C>T, p.Leu679Phe (NM_018891.3); short protein forms L679F.
Identifiers: ClinVar variation 259783 (VCV000259783.17), dbSNP rs62640910, ClinGen allele CA1282807.